The following is an entry in ClinVar:

ClinVar aggregate classification (germline): Uncertain significance (1 of 4 stars; one submission).

gnomAD v4.1: 4 of 1,614,142 alleles (0.00025%); highest among the groups gnomAD compares: East Asian, 0.0022%; no homozygotes.

Submission:

Labcorp Genetics (formerly Invitae), Labcorp
Classification: Uncertain significance. Last evaluated: 2025-06-23. Review status: criteria provided, single submitter. Criteria: Invitae Variant Classification Sherloc (09022015). Collection method: clinical testing. Allele origin: germline.
Comment: This sequence change replaces arginine, which is basic and polar, with glutamine, which is neutral and polar, at codon 138 of the TNFRSF11B protein (p.Arg138Gln). This variant is present in population databases (rs752583333, gnomAD no frequency). This variant has not been reported in the literature in individuals affected with TNFRSF11B-related conditions. Invitae Evidence Modeling of protein sequence and biophysical properties (such as structural, functional, and spatial information, amino acid conservation, physicochemical variation, residue mobility, and thermodynamic stability) indicates that this missense variant is not expected to disrupt TNFRSF11B protein function with a negative predictive value of 80%. In summary, the available evidence is currently insufficient to determine the role of this variant in disease. Therefore, it has been classified as a Variant of Uncertain Significance.

NM_002546.4(TNFRSF11B):c.413G>A (p.Arg138Gln)

Gene: TNFRSF11B (TNF receptor superfamily member 11b; minus strand). Cytogenetic location: 8q24.12.
Variant type: single nucleotide variant.
Coding change: c.413G>A on transcript NM_002546.4 (MANE Select); coding-DNA position 413, G replaced by A.
Protein change: p.Arg138Gln; replaces arginine 138 with glutamine.
Molecular consequence: missense variant.
Genome position (GRCh38, 1-based): chr8:118,928,917, C>T on the plus strand (G>A on the coding strand, the complement: TNFRSF11B is on the minus strand). VCF-style: chr8-118928917-C-T. GRCh37 (hg19) VCF-style: chr8-119941156-C-T.
Other names: short protein forms R138Q.
Identifiers: ClinVar variation 4691065 (VCV004691065.1).